The following is an entry in ClinVar:

NM_015272.5(RPGRIP1L):c.3719T>C (p.Val1240Ala)

Gene: RPGRIP1L (RPGRIP1 like; minus strand). Cytogenetic location: 16q12.2.
Variant type: single nucleotide variant.
Coding change: c.3719T>C on transcript NM_015272.5 (MANE Select); coding-DNA position 3719, T replaced by C.
Protein change: p.Val1240Ala; replaces valine 1240 with alanine.
Molecular consequence: missense variant.
Genome position (GRCh38, 1-based): chr16:53,605,597, A>G on the plus strand (T>C on the coding strand, the complement: RPGRIP1L is on the minus strand). VCF-style: chr16-53605597-A-G. GRCh37 (hg19) VCF-style: chr16-53639509-A-G.
Other names: c.3479T>C, p.Val1160Ala (NM_001127897.4); c.3581T>C, p.Val1194Ala (NM_001308334.3); c.3617T>C, p.Val1206Ala (NM_001330538.2); c.3719T>C (NM_015272.4); short protein forms V1160A, V1240A, V1194A, V1206A.
Identifiers: ClinVar variation 212063 (VCV000212063.21), dbSNP rs201248643, ClinGen allele CA209656.

ClinVar aggregate classification (germline): Uncertain significance. Review status: criteria provided, multiple submitters, no conflicts (2 of 4 stars). 12 submissions from 10 submitters: Uncertain significance (10). 2 of the submissions do not count toward it. Last evaluated 2024-11-06.

Conditions:
Joubert syndrome 7 (JBTS7). Identifiers: Orphanet 220497, MedGen C1969053, MONDO:0012694, OMIM 611560.
Meckel syndrome, type 5 (MKS5). Identifiers: Orphanet 564, MedGen C1969052, MONDO:0012695, OMIM 611561.
COACH syndrome 3. Identifiers: MedGen C5436841, MONDO:0030862, OMIM 619113.
RPGRIP1L-related disorder. Also called: RPGRIP1L-related condition; RPGRIP1L-related disorders. Identifiers: MedGen CN239416.
Inborn genetic diseases. Identifiers: MedGen C0950123, MeSH D030342.
Meckel-Gruber syndrome. Also called: DYSENCEPHALIA SPLANCHNOCYSTICA; Dysencephalia splachnocystica; GRUBER SYNDROME. Identifiers: Orphanet 564, MedGen C0265215, MONDO:0018921.
Joubert syndrome. Also called: Familial aplasia of the vermis; JOUBERT-BOLTSHAUSER SYNDROME. Identifiers: Orphanet 475, MedGen C5979921, MONDO:0018772.
Nephronophthisis 8. Identifiers: MedGen CN119610.

Allele frequency attached by ClinVar (database versions not stated): gnomAD 0.00021 and 0.00019; gnomAD exomes 0.00035 and 0.00011; ExAC 0.00011; ESP Exome Variant Server 0.00015; TOPMed 0.00016.
gnomAD v4.1: 558 of 1,614,004 alleles (0.035%); highest among the groups gnomAD compares: Non-Finnish European, 0.044%; no homozygotes.

Submissions (12):

Blueprint Genetics
Classification: Uncertain significance. Last evaluated: 2024-11-06. Review status: criteria provided, single submitter. Criteria: ACMG Guidelines, 2015. Collection method: clinical testing. Allele origin: germline.

Labcorp Genetics (formerly Invitae), Labcorp
Classification: Uncertain significance for Joubert syndrome; Meckel-Gruber syndrome. Last evaluated: 2022-09-19. Review status: criteria provided, single submitter. Criteria: Invitae Variant Classification Sherloc (09022015). Collection method: clinical testing. Allele origin: germline.
Comment: This sequence change replaces valine, which is neutral and non-polar, with alanine, which is neutral and non-polar, at codon 1240 of the RPGRIP1L protein (p.Val1240Ala). This variant is present in population databases (rs201248643, gnomAD 0.02%). This variant has not been reported in the literature in individuals affected with RPGRIP1L-related conditions. ClinVar contains an entry for this variant (Variation ID: 212063). Advanced modeling of protein sequence and biophysical properties (such as structural, functional, and spatial information, amino acid conservation, physicochemical variation, residue mobility, and thermodynamic stability) performed at Invitae indicates that this missense variant is expected to disrupt RPGRIP1L protein function. In summary, the available evidence is currently insufficient to determine the role of this variant in disease. Therefore, it has been classified as a Variant of Uncertain Significance.

GeneDx
Classification: Uncertain significance. Last evaluated: 2022-05-31. Review status: criteria provided, single submitter. Criteria: GeneDx Variant Classification Process June 2021. Collection method: clinical testing. Allele origin: germline. Affected: yes.
Comment: In silico analysis supports that this missense variant has a deleterious effect on protein structure/function; Has not been previously published as pathogenic or benign to our knowledge

Fulgent Genetics
Classification: Uncertain significance for Joubert syndrome 7; Meckel syndrome, type 5; COACH syndrome 3. Last evaluated: 2022-03-30. Review status: criteria provided, single submitter. Criteria: ACMG Guidelines, 2015. Collection method: clinical testing. Allele origin: unknown.

Ambry Genetics
Classification: Uncertain significance for Inborn genetic diseases. Last evaluated: 2021-09-01. Review status: criteria provided, single submitter. Criteria: Ambry Variant Classification Scheme 2023. Collection method: clinical testing. Allele origin: germline.

Eurofins Ntd Llc (ga)
Classification: Uncertain significance. Last evaluated: 2018-06-28. Review status: criteria provided, single submitter. Criteria: EGL ClinVar v180209 classification definitions. Collection method: clinical testing. Allele origin: germline. Observed: 2 variant alleles, 2 heterozygotes.

Illumina Laboratory Services, Illumina
Classification: Uncertain significance for Joubert syndrome 7. Last evaluated: 2018-01-13. Review status: criteria provided, single submitter. Criteria: ICSL Variant Classification Criteria 13 December 2019. Collection method: clinical testing. Allele origin: germline.

Illumina Laboratory Services, Illumina
Classification: Uncertain significance for Nephronophthisis 8. Last evaluated: 2018-01-13. Review status: criteria provided, single submitter. Criteria: ICSL Variant Classification Criteria 13 December 2019. Collection method: clinical testing. Allele origin: germline.

Illumina Laboratory Services, Illumina
Classification: Uncertain significance for Meckel syndrome, type 5. Last evaluated: 2018-01-13. Review status: criteria provided, single submitter. Criteria: ICSL Variant Classification Criteria 13 December 2019. Collection method: clinical testing. Allele origin: germline.

Genetic Services Laboratory, University of Chicago
Classification: Uncertain significance. Last evaluated: 2015-05-29. Review status: criteria provided, single submitter. Criteria: ACMG Guidelines, 2015. Collection method: clinical testing. Allele origin: germline.

PreventionGenetics, part of Exact Sciences
Classification: Uncertain significance for RPGRIP1L-related condition. Last evaluated: 2024-08-30. Review status: no assertion criteria provided. Collection method: clinical testing. Allele origin: germline. Not counted in ClinVar's aggregate classification.
Comment: The RPGRIP1L c.3719T>C variant is predicted to result in the amino acid substitution p.Val1240Ala. To our knowledge, this variant has not been reported in the literature. This variant is reported in 0.023% of alleles in individuals of European (Non-Finnish) descent in gnomAD. At this time, the clinical significance of this variant is uncertain due to the absence of conclusive functional and genetic evidence.

Natera, Inc.
Classification: Uncertain significance for Joubert syndrome. Last evaluated: 2020-08-21. Review status: no assertion criteria provided. Collection method: clinical testing. Allele origin: germline. Not counted in ClinVar's aggregate classification.